The following is an entry in ClinVar:

NM_006514.4(SCN10A):c.5036A>T (p.Asp1679Val)

Gene: SCN10A (sodium voltage-gated channel alpha subunit 10; minus strand). Cytogenetic location: 3p22.2.
Variant type: single nucleotide variant.
Coding change: c.5036A>T on transcript NM_006514.4 (MANE Select); coding-DNA position 5036, A replaced by T.
Protein change: p.Asp1679Val; replaces aspartic acid 1679 with valine.
Molecular consequence: missense variant.
Genome position (GRCh38, 1-based): chr3:38,698,184, T>A on the plus strand (A>T on the coding strand, the complement: SCN10A is on the minus strand). VCF-style: chr3-38698184-T-A. GRCh37 (hg19) VCF-style: chr3-38739675-T-A.
Other names: c.5033A>T, p.Asp1678Val (NM_001293306.2); c.4742A>T, p.Asp1581Val (NM_001293307.2); short protein forms D1581V, D1679V, D1678V.
Identifiers: ClinVar variation 1350729 (VCV001350729.8), dbSNP rs756686221, ClinGen allele CA2319750.

ClinVar aggregate classification (germline): Uncertain significance (1 of 4 stars; one submission).

Conditions:
Brugada syndrome. Also called: Sudden Unexplained Death Syndrome; Sudden Unexplained Nocturnal Death Syndrome (SUNDS); Sudden unexplained nocturnal death syndrome; Sudden unexpected nocturnal death syndrome. Identifiers: Orphanet 130, MedGen C1142166, MONDO:0015263.

Allele frequency attached by ClinVar (database versions not stated): TOPMed below 0.00001; gnomAD exomes 0.00001; ExAC 0.00002.
gnomAD v4.1: 8 of 1,613,932 alleles (0.0005%); highest among the groups gnomAD compares: Non-Finnish European, 0.00068%; no homozygotes.

Submission:

Labcorp Genetics (formerly Invitae), Labcorp
Classification: Uncertain significance for Brugada syndrome. Last evaluated: 2022-01-26. Review status: criteria provided, single submitter. Criteria: Invitae Variant Classification Sherloc (09022015). Collection method: clinical testing. Allele origin: germline.
Comment: This sequence change replaces aspartic acid, which is acidic and polar, with valine, which is neutral and non-polar, at codon 1679 of the SCN10A protein (p.Asp1679Val). This variant is present in population databases (rs756686221, gnomAD 0.003%). This variant has not been reported in the literature in individuals affected with SCN10A-related conditions. Advanced modeling of protein sequence and biophysical properties (such as structural, functional, and spatial information, amino acid conservation, physicochemical variation, residue mobility, and thermodynamic stability) performed at Invitae indicates that this missense variant is expected to disrupt SCN10A protein function. In summary, the available evidence is currently insufficient to determine the role of this variant in disease. Therefore, it has been classified as a Variant of Uncertain Significance.